The following is an entry in ClinVar:

NM_000138.5(FBN1):c.8005_8019del (p.Gly2669_Gly2673del)

Gene: FBN1 (fibrillin 1; minus strand). Cytogenetic location: 15q21.1.
Variant type: Deletion.
Coding change: c.8005_8019del on transcript NM_000138.5 (MANE Select); coding-DNA positions 8005 to 8019, 15 bases deleted (GGTTACCTGTGTGGC).
Protein change: p.Gly2669_Gly2673del.
Molecular consequence: inframe deletion.
Genome position (GRCh38, 1-based): chr15:48,415,568-48,415,582, GCCACACAGGTAACC deleted on the plus strand (GGTTACCTGTGTGGC on the coding strand, the reverse complement: FBN1 is on the minus strand); deleting any 15 consecutive bases within chr15:48,415,568-48,415,585 gives the same sequence; the c. name uses the placement nearest the transcript's 3' end. VCF-style (leftmost placement, unchanged base first): chr15-48415567-AGCCACACAGGTAACC-A. GRCh37 (hg19) VCF-style: chr15-48707764-AGCCACACAGGTAACC-A.
Other names: c.8005_8019del15 (NM_000138.5); c.8005_8019delGGTTACCTGTGTGGC (NM_000138.4).
Identifiers: ClinVar variation 495654 (VCV000495654.2), dbSNP rs1555393829, ClinGen allele CA658683887.

ClinVar aggregate classification (germline): Pathogenic (1 of 4 stars; one submission).

Conditions:
Marfan Syndrome/Loeys-Dietz Syndrome/Familial Thoracic Aortic Aneurysms and Dissections. Identifiers: MedGen CN229799.

Submission:

Women's Health and Genetics/Laboratory Corporation of America, LabCorp
Classification: Pathogenic for Marfan Syndrome/Loeys-Dietz Syndrome/Familial Thoracic Aortic Aneurysms and Dissections. Last evaluated: 2026-03-25. Review status: criteria provided, single submitter. Criteria: LabCorp Variant Classification Summary - May 2015. Collection method: clinical testing. Allele origin: germline.
Comment: Variant summary: FBN1 c.8005_8019del15 (p.Gly2669_Gly2673del) results in an in-frame deletion that is predicted to remove five amino acids from the encoded protein. The variant was absent in 249706 control chromosomes. The available data on variant occurrences in the general population are insufficient to allow any conclusion about variant significance. To our knowledge, no occurrence of c.8005_8019del15 in individuals affected with FBN1-related conditions and no experimental evidence demonstrating its impact on protein function have been reported. At least one variant within the deleted region (c.8006G>T, p.Gly2669Val) has been classified as Pathogenic by our lab. ClinVar contains an entry for this variant (Variation ID: 495654). Based on the evidence outlined above, the variant was classified as pathogenic.